The following is an entry in ClinVar:

ClinVar aggregate classification (germline): Uncertain significance. Review status: criteria provided, multiple submitters, no conflicts (2 of 4 stars). 2 submissions from 2 submitters: Uncertain significance (2). Last evaluated 2026-03-11.

Conditions:
Inborn genetic diseases. Identifiers: MedGen C0950123, MeSH D030342.
Wilms tumor 1 (WT1). Also called: Wilms tumor, somatic. Identifiers: Orphanet 654, MedGen CN033288, MONDO:0008679, OMIM 194070.
11p partial monosomy syndrome (WAGR). Also called: CHROMOSOME 11p13 DELETION SYNDROME; WAGR syndrome; WAGR Complex; WAGR Spectrum Disorder. Identifiers: Orphanet 893, MedGen C0206115, MONDO:0008681, OMIM 194072.
Frasier syndrome. Identifiers: Orphanet 347, MedGen C0950122, MeSH D052159, MONDO:0007635, OMIM 136680.
Drash syndrome (DDS). Also called: NEPHROPATHY, WILMS TUMOR, AND GENITAL ANOMALIES; WILMS TUMOR AND PSEUDO- OR TRUE HERMAPHRODITISM. Identifiers: Orphanet 220, MedGen C0950121, MONDO:0008682, OMIM 194080.

Submissions (2):

Ambry Genetics
Classification: Uncertain significance for Inborn genetic diseases. Last evaluated: 2026-03-11. Review status: criteria provided, single submitter. Criteria: Ambry Variant Classification Scheme 2023. Collection method: clinical testing. Allele origin: germline.
Comment: The c.646G>A variant (also known as p.G216S), located in coding exon 1 of the WT1 gene, results from a G to A substitution at nucleotide position 646. The amino acid change results in glycine to serine at codon 216, an amino acid with similar properties. However, this change occurs in the last base pair of coding exon 1, which makes it likely to have some effect on normal mRNA splicing. This nucleotide position is highly conserved in available vertebrate species. This amino acid position is highly conserved in available vertebrate species. In silico splice site analysis predicts that this alteration will not have any significant effect on splicing. In addition, this alteration is predicted to be deleterious by in silico analysis. Based on the available evidence, the clinical significance of this variant remains unclear.

Labcorp Genetics (formerly Invitae), Labcorp
Classification: Uncertain significance for Wilms tumor 1; Drash syndrome; 11p partial monosomy syndrome; Frasier syndrome. Last evaluated: 2022-04-08. Review status: criteria provided, single submitter. Criteria: Invitae Variant Classification Sherloc (09022015). Collection method: clinical testing. Allele origin: germline.
Comment: In summary, the available evidence is currently insufficient to determine the role of this variant in disease. Therefore, it has been classified as a Variant of Uncertain Significance. Variants that disrupt the consensus splice site are a relatively common cause of aberrant splicing (PMID: 17576681, 9536098). Algorithms developed to predict the effect of missense changes on protein structure and function are either unavailable or do not agree on the potential impact of this missense change (SIFT: "Tolerated"; PolyPhen-2: "Probably Damaging"; Align-GVGD: "Class C0"). This variant has not been reported in the literature in individuals affected with WT1-related conditions. This variant is not present in population databases (gnomAD no frequency). This sequence change replaces glycine, which is neutral and non-polar, with serine, which is neutral and polar, at codon 216 of the WT1 protein (p.Gly216Ser). This variant also falls at the last nucleotide of exon 1, which is part of the consensus splice site for this exon.

Literature cited by the submitters: PubMed 17576681 (cited by Labcorp Genetics (formerly Invitae), Labcorp); PubMed 9536098 (cited by Labcorp Genetics (formerly Invitae), Labcorp).

NM_024426.6(WT1):c.661G>A (p.Gly221Ser)

Genes: WT1 (WT1 transcription factor; minus strand), LOC107982234 (WT1/WT1-AS bi-directional promoter region; plus strand). Cytogenetic location: 11p13.
Variant type: single nucleotide variant.
Coding change: c.661G>A on transcript NM_024426.6 (MANE Select); coding-DNA position 661, G replaced by A.
Protein change: p.Gly221Ser; replaces glycine 221 with serine.
Molecular consequence: missense variant. On other transcripts: non-coding transcript variant (1).
Genome position (GRCh38, 1-based): chr11:32,434,700, C>T on the plus strand (G>A on the coding strand, the complement: WT1 is on the minus strand). VCF-style: chr11-32434700-C-T. GRCh37 (hg19) VCF-style: chr11-32456246-C-T.
Other names: c.646G>A (NM_024426.4); c.661G>A, p.Gly221Ser (NM_000378.6, NM_001407044.1, NM_001407045.1 and 6 more transcripts); c.646G>A, p.Gly216Ser (NM_024425.2); short protein forms G221S, G216S.
Identifiers: ClinVar variation 2141957 (VCV002141957.5), dbSNP rs1853430900, ClinGen allele CA379964375.